The following is an entry in ClinVar:

ClinVar aggregate classification (germline): Uncertain significance (1 of 4 stars; one submission).

Conditions:
VPS13B-related disorder. Also called: VPS13B-related condition.

Submission:

PreventionGenetics, part of Exact Sciences
Classification: Uncertain significance for VPS13B-related condition. Last evaluated: 2025-05-27. Review status: criteria provided, single submitter. Criteria: ACMG Guidelines, 2015. Collection method: clinical testing. Allele origin: germline.
Comment: The VPS13B c.3961C>G variant is predicted to result in the amino acid substitution p.Arg1321Gly. To our knowledge, this variant has not been reported in the literature or in a large population database (gnomAD), indicating this variant is rare. At this time, the clinical significance of this variant is uncertain due to the absence of conclusive functional and genetic evidence.

NM_152564.5(VPS13B):c.3961C>G (p.Arg1321Gly)

Gene: VPS13B (vacuolar protein sorting 13 homolog B; plus strand). Cytogenetic location: 8q22.2.
Variant type: single nucleotide variant.
Coding change: c.3961C>G on transcript NM_152564.5 (MANE Select); coding-DNA position 3961, C replaced by G.
Protein change: p.Arg1321Gly; replaces arginine 1321 with glycine.
Molecular consequence: missense variant.
Genome position (GRCh38, 1-based): chr8:99,501,777, C>G. VCF-style: chr8-99501777-C-G. GRCh37 (hg19) VCF-style: chr8-100514005-C-G.
Other names: c.3961C>G, p.Arg1321Gly (NM_017890.5); short protein forms R1321G.
Identifiers: ClinVar variation 4997690 (VCV004997690.1).